The following is an entry in ClinVar:

NC_000022.10:g.(?_46731662)_(46742461_?)del

Gene: TRMU (tRNA mitochondrial 2-thiouridylase; plus strand). Cytogenetic location: 22q13.31.
Variant type: Deletion.
Identifiers: ClinVar variation 3248128 (VCV003248128.1).

ClinVar aggregate classification (germline): Pathogenic (1 of 4 stars; one submission).

Submission:

Labcorp Genetics (formerly Invitae), Labcorp
Classification: Pathogenic. Last evaluated: 2024-01-18. Review status: criteria provided, single submitter. Criteria: Invitae Variant Classification Sherloc (09022015). Collection method: clinical testing. Allele origin: unknown.
Comment: This variant is a gross deletion of the genomic region encompassing exon(s) 1-4 of the TRMU gene, which includes the initiator codon. This deletion extends beyond the assayed region for this gene and therefore may encompass additional genes. It is expected to result in an absent or disrupted protein product. Loss-of-function variants in TRMU are known to be pathogenic (PMID: 19732863, 23625533). This variant has not been reported in the literature in individuals affected with TRMU-related conditions. For these reasons, this variant has been classified as Pathogenic.

Literature cited by the submitters: PubMed 19732863; PubMed 23625533.